The following is an entry in ClinVar:

ClinVar aggregate classification (germline): Likely benign (1 of 4 stars; one submission).

Allele frequency attached by ClinVar (database versions not stated): gnomAD exomes 0.00005; ExAC 0.00020; gnomAD 0.00050; ESP Exome Variant Server 0.00054; TOPMed 0.00064; 1000 Genomes Project 30x 0.00094; 1000 Genomes Project 0.00100.
gnomAD v4.1: 158 of 1,614,070 alleles (0.0098%); highest among the groups gnomAD compares: African/African-American, 0.15%; 1 homozygote.

Submission:

CeGaT Center for Human Genetics Tuebingen
Classification: Likely benign. Last evaluated: 2024-07-01. Review status: criteria provided, single submitter. Criteria: CeGaT Center For Human Genetics Tuebingen Variant Classification Criteria Version 2. Collection method: clinical testing. Allele origin: germline. Affected: yes. Observed: 1 variant allele.
Comment: FLG: BP4

NM_002016.2(FLG):c.3311G>A (p.Arg1104His)

Genes: CCDST (cervical cancer associated DHX9 suppressive transcript; plus strand), FLG (filaggrin; minus strand). Cytogenetic location: 1q21.3.
Variant type: single nucleotide variant.
Coding change: c.3311G>A on transcript NM_002016.2 (MANE Select); coding-DNA position 3311, G replaced by A.
Protein change: p.Arg1104His; replaces arginine 1104 with histidine.
Molecular consequence: missense variant.
Genome position (GRCh38, 1-based): chr1:152,311,575, C>T on the plus strand (G>A on the coding strand, the complement: FLG is on the minus strand). VCF-style: chr1-152311575-C-T. GRCh37 (hg19) VCF-style: chr1-152284051-C-T.
Other names: short protein forms R1104H.
Identifiers: ClinVar variation 3250910 (VCV003250910.18), dbSNP rs138204922.